The following is an entry in ClinVar:

ClinVar aggregate classification (germline): Uncertain significance (1 of 4 stars; one submission).

Conditions:
Combined immunodeficiency with skin granulomas. Identifiers: Orphanet 157949, MedGen C2673536, MONDO:0009306, OMIM 233650.
Severe combined immunodeficiency, autosomal recessive, T cell-negative, B cell-negative, NK cell-positive. Also called: SCID, T CELL-NEGATIVE, B CELL-NEGATIVE, NK CELL-POSITIVE; SCID, AR, T-cell negative, B-cell negative, NK cell-positive; Severe combined immunodeficiency due to complete RAG1/2 deficiency. Identifiers: Orphanet 331206, MedGen C1832322, MONDO:0011086, OMIM 601457.

Allele frequency attached by ClinVar (database versions not stated): gnomAD 0.00001; gnomAD exomes 0.00001; TOPMed 0.00002.
gnomAD v4.1: 12 of 1,613,962 alleles (0.00074%); highest among the groups gnomAD compares: Middle Eastern, 0.066%; no homozygotes.

Submission:

Labcorp Genetics (formerly Invitae), Labcorp
Classification: Uncertain significance for Combined immunodeficiency with skin granulomas; Severe combined immunodeficiency, autosomal recessive, T cell-negative, B cell-negative, NK cell-positive. Last evaluated: 2022-04-10. Review status: criteria provided, single submitter. Criteria: Invitae Variant Classification Sherloc (09022015). Collection method: clinical testing. Allele origin: germline.
Comment: This sequence change replaces alanine, which is neutral and non-polar, with glutamic acid, which is acidic and polar, at codon 388 of the RAG2 protein (p.Ala388Glu). This variant is present in population databases (no rsID available, gnomAD 0.003%). This variant has not been reported in the literature in individuals affected with RAG2-related conditions. Algorithms developed to predict the effect of missense changes on protein structure and function are either unavailable or do not agree on the potential impact of this missense change (SIFT: "Tolerated"; PolyPhen-2: "Possibly Damaging"; Align-GVGD: "Class C0"). In summary, the available evidence is currently insufficient to determine the role of this variant in disease. Therefore, it has been classified as a Variant of Uncertain Significance.

NM_000536.4(RAG2):c.1163C>A (p.Ala388Glu)

Gene: RAG2 (recombination activating 2; minus strand). Cytogenetic location: 11p12.
Variant type: single nucleotide variant.
Coding change: c.1163C>A on transcript NM_000536.4 (MANE Select); coding-DNA position 1163, C replaced by A.
Protein change: p.Ala388Glu; replaces alanine 388 with glutamic acid.
Molecular consequence: missense variant.
Genome position (GRCh38, 1-based): chr11:36,593,006, G>T on the plus strand (C>A on the coding strand, the complement: RAG2 is on the minus strand). VCF-style: chr11-36593006-G-T. GRCh37 (hg19) VCF-style: chr11-36614556-G-T.
Other names: c.1163C>A, p.Ala388Glu (NM_001243785.2, NM_001243786.2); short protein forms A388E.
Identifiers: ClinVar variation 1495302 (VCV001495302.3), dbSNP rs958911693, ClinGen allele CA220579378.